The following is an entry in ClinVar:

NM_014336.5(AIPL1):c.1108C>T (p.Pro370Ser)

Gene: AIPL1 (AIP like 1 HSP90 co-chaperone; minus strand). Cytogenetic location: 17p13.2.
Variant type: single nucleotide variant.
Coding change: c.1108C>T on transcript NM_014336.5 (MANE Select); coding-DNA position 1108, C replaced by T.
Protein change: p.Pro370Ser; replaces proline 370 with serine.
Molecular consequence: missense variant. On other transcripts: 3 prime UTR variant (1).
Genome position (GRCh38, 1-based): chr17:6,425,507, G>A on the plus strand (C>T on the coding strand, the complement: AIPL1 is on the minus strand). VCF-style: chr17-6425507-G-A. GRCh37 (hg19) VCF-style: chr17-6328827-G-A.
Other names: c.919C>T, p.Pro307Ser (NM_001033054.3); c.928C>T, p.Pro310Ser (NM_001033055.3); c.1072C>T, p.Pro358Ser (NM_001285399.3); c.1042C>T, p.Pro348Ser (NM_001285400.3); c.1036C>T, p.Pro346Ser (NM_001285401.3); c.991C>T, p.Pro331Ser (NM_001285402.2); c.*1079C>T (NM_001285403.4); short protein forms P370S, P331S, P310S, P358S, P307S, P346S, P348S.
Identifiers: ClinVar variation 324611 (VCV000324611.22), dbSNP rs139079107, ClinGen allele CA8328309.

ClinVar aggregate classification (germline): Conflicting classifications of pathogenicity. Review status: criteria provided, conflicting classifications (1 of 4 stars). 9 submissions from 8 submitters: Uncertain significance (6); Likely benign (2). 1 of the submissions does not count toward it. Last evaluated 2026-07-07.

Conditions:
AIPL1-related disorder. Also called: AIPL1-related disorders; AIPL1-related condition. Identifiers: MedGen CN239169.
Inborn genetic diseases. Identifiers: MedGen C0950123, MeSH D030342.
Leber congenital amaurosis 4 (LCA4). Identifiers: MedGen C1858386, MONDO:0011458, OMIM 604393.
Retinitis pigmentosa (RP). Identifiers: Orphanet 791, MedGen C0035334, MeSH D012174, MONDO:0019200, OMIM 268000. Inheritance: Autosomal dominant, autosomal recessive and X linked inheritance.
Retinal dystrophy. Also called: Inherited retinal dystrophy. Identifiers: HP:0000556, Orphanet 71862, MedGen C0854723, MeSH D058499, MONDO:0019118.

Allele frequency attached by ClinVar (database versions not stated): ESP Exome Variant Server 0.00015; gnomAD 0.00016 and 0.00017; TOPMed 0.00017; gnomAD exomes 0.00028; ExAC 0.00031.

Submissions (9):

PreventionGenetics, part of Exact Sciences
Classification: Uncertain significance for AIPL1-related condition. Last evaluated: 2026-07-07. Review status: criteria provided, single submitter. Criteria: ACMG Guidelines, 2015. Collection method: clinical testing. Allele origin: germline.
Comment: The AIPL1 c.1108C>T variant is predicted to result in the amino acid substitution p.Pro370Ser. This variant was described in a large cohort of individuals with retinitis pigmentosa (Cundy et al. 2020. PubMed ID: 32728228). This variant is reported in 0.049% of alleles in individuals of European (Non-Finnish) descent in gnomAD. At this time, the clinical significance of this variant is uncertain due to the absence of conclusive functional and genetic evidence.

Labcorp Genetics (formerly Invitae), Labcorp
Classification: Likely benign for Leber congenital amaurosis 4. Last evaluated: 2026-01-28. Review status: criteria provided, single submitter. Criteria: Invitae Variant Classification Sherloc (09022015). Collection method: clinical testing. Allele origin: germline.

Blueprint Genetics
Classification: Likely benign. Last evaluated: 2024-10-04. Review status: criteria provided, single submitter. Criteria: ACMG Guidelines, 2015. Collection method: clinical testing. Allele origin: germline.

Ambry Genetics
Classification: Uncertain significance for Inborn genetic diseases. Last evaluated: 2024-08-28. Review status: criteria provided, single submitter. Criteria: Ambry Variant Classification Scheme 2023. Collection method: clinical testing. Allele origin: germline.

Fulgent Genetics
Classification: Uncertain significance for Retinitis pigmentosa; Leber congenital amaurosis 4. Last evaluated: 2021-07-13. Review status: criteria provided, single submitter. Criteria: ACMG Guidelines, 2015. Collection method: clinical testing. Allele origin: unknown.

Illumina Laboratory Services, Illumina
Classification: Uncertain significance for Retinitis pigmentosa. Last evaluated: 2018-01-12. Review status: criteria provided, single submitter. Criteria: ICSL Variant Classification Criteria 13 December 2019. Collection method: clinical testing. Allele origin: germline.

Illumina Laboratory Services, Illumina
Classification: Uncertain significance for Leber congenital amaurosis 4. Last evaluated: 2018-01-12. Review status: criteria provided, single submitter. Criteria: ICSL Variant Classification Criteria 13 December 2019. Collection method: clinical testing. Allele origin: germline.

Eurofins Ntd Llc (ga)
Classification: Uncertain significance. Last evaluated: 2017-06-08. Review status: criteria provided, single submitter. Criteria: EGL Classification Definitions 2015. Collection method: clinical testing. Allele origin: germline. Observed: 1 variant allele, 1 heterozygote.

Institute of Human Genetics, Univ. Regensburg, Univ. Regensburg
Classification: Uncertain significance for Retinal dystrophy. Last evaluated: 2023-01-01. Review status: no assertion criteria provided. Criteria: ACMG Guidelines, 2015. Collection method: clinical testing. Allele origin: germline. Affected: yes. Not counted in ClinVar's aggregate classification.